The following is an entry in ClinVar:

NM_001868.4(CPA1):c.397G>T (p.Asp133Tyr)

Gene: CPA1 (carboxypeptidase A1; plus strand). Cytogenetic location: 7q32.2.
Variant type: single nucleotide variant.
Coding change: c.397G>T on transcript NM_001868.4 (MANE Select); coding-DNA position 397, G replaced by T.
Protein change: p.Asp133Tyr; replaces aspartic acid 133 with tyrosine.
Molecular consequence: missense variant.
Genome position (GRCh38, 1-based): chr7:130,382,123, G>T. VCF-style: chr7-130382123-G-T. GRCh37 (hg19) VCF-style: chr7-130021964-G-T.
Other names: short protein forms D133Y.
Identifiers: ClinVar variation 4006067 (VCV004006067.1).

ClinVar aggregate classification (germline): Uncertain significance (1 of 4 stars; one submission).

Conditions:
Hereditary pancreatitis (PCTT). Also called: Hereditary chronic pancreatitis; PRSS1-Related Hereditary Pancreatitis. Identifiers: Orphanet 676, MedGen C0238339, MONDO:0008185, OMIM 167800.

Submission:

Ambry Genetics
Classification: Uncertain significance for Hereditary pancreatitis. Last evaluated: 2025-06-12. Review status: criteria provided, single submitter. Criteria: Ambry Variant Classification Scheme 2023. Collection method: clinical testing. Allele origin: germline.
Comment: The p.D133Y variant (also known as c.397G>T), located in coding exon 4 of the CPA1 gene, results from a G to T substitution at nucleotide position 397. The aspartic acid at codon 133 is replaced by tyrosine, an amino acid with highly dissimilar properties. This amino acid position is conserved. In addition, the in silico prediction for this alteration is inconclusive. Based on the available evidence, the clinical significance of this variant remains unclear.